The following is an entry in ClinVar:

ClinVar aggregate classification (germline): Pathogenic (1 of 4 stars; one submission).

Submission:

Labcorp Genetics (formerly Invitae), Labcorp
Classification: Pathogenic. Last evaluated: 2022-10-22. Review status: criteria provided, single submitter. Criteria: Invitae Variant Classification Sherloc (09022015). Collection method: clinical testing. Allele origin: germline.
Comment: This sequence change creates a premature translational stop signal (p.Leu198Alafs*22) in the CABP4 gene. It is expected to result in an absent or disrupted protein product. Loss-of-function variants in CABP4 are known to be pathogenic (PMID: 25307992). This variant is not present in population databases (gnomAD no frequency). For these reasons, this variant has been classified as Pathogenic. This variant has not been reported in the literature in individuals affected with CABP4-related conditions.

Literature cited by the submitters: PubMed 25307992.

NM_145200.5(CABP4):c.584dup (p.Leu198fs)

Gene: CABP4 (calcium binding protein 4; plus strand). Cytogenetic location: 11q13.2.
Variant type: Duplication.
Coding change: c.584dup on transcript NM_145200.5 (MANE Select); coding-DNA position 584, one base duplicated (G; older notation c.584dupG).
Protein change: p.Leu198fs; shifts the reading frame from leucine 198.
Molecular consequence: frameshift variant. On other transcripts: non-coding transcript variant (1).
Genome position (GRCh38, 1-based): chr11:67,457,615, G duplicated; the last of 2 consecutive G bases (chr11:67,457,614-67,457,615); duplicating either gives the same sequence. VCF-style (leftmost placement, unchanged base first): chr11-67457613-A-AG. GRCh37 (hg19) VCF-style: chr11-67225084-A-AG.
Other names: c.269dup, p.Leu93fs (NM_001300895.3, NM_001300896.3, NM_001379183.1); short protein forms L93fs, L198fs.
Identifiers: ClinVar variation 2036528 (VCV002036528.4), dbSNP rs2495646781, ClinGen allele CA2580084611.